The following is an entry in ClinVar:

ClinVar aggregate classification (germline): Benign/Likely benign. Review status: criteria provided, multiple submitters, no conflicts (2 of 4 stars). 2 submissions from 2 submitters: Benign (1); Likely benign (1). Last evaluated 2026-08-03.

Conditions:
Familial colorectal cancer type X. Identifiers: Orphanet 440437, MedGen C3896578, MONDO:0018604.

gnomAD v4.1: 1 of 1,613,832 alleles (0.000062%); highest among the groups gnomAD compares: Non-Finnish European, 0.000085%; no homozygotes.

Submissions (3):

Myriad Genetics, Inc.
Classification: Benign for Familial colorectal cancer type X. Last evaluated: 2026-08-03. Review status: criteria provided, single submitter. Criteria: Myriad Autosomal Dominant, Autosomal Recessive and X-Linked Classification Criteria (2023). Collection method: clinical testing. Allele origin: unknown.
Comment: This variant is considered benign. This variant is a silent/synonymous amino acid change and it is not expected to impact splicing.

Ambry Genetics
Classification: Likely benign. Last evaluated: 2022-09-05. Review status: criteria provided, single submitter. Criteria: Ambry Variant Classification Scheme 2023. Collection method: clinical testing. Allele origin: germline.

Dr. Peter K. Rogan Lab, Western University
No classification provided (evidence only). Condition: Malignant tumor of urinary bladder. Review status: no classification provided. Collection method: in vitro. Allele origin: not applicable. Functional consequence: cryptic splice site. Not counted in ClinVar's aggregate classification.

NM_001023.4(RPS20):c.163C>A (p.Arg55=)

Gene: RPS20 (ribosomal protein S20; minus strand). Cytogenetic location: 8q12.1.
Variant type: single nucleotide variant.
Coding change: c.163C>A on transcript NM_001023.4 (MANE Select); coding-DNA position 163, C replaced by A.
Protein change: p.Arg55=; no amino-acid change (arginine 55 retained).
Molecular consequence: synonymous variant.
Genome position (GRCh38, 1-based): chr8:56,073,709, G>T on the plus strand (C>A on the coding strand, the complement: RPS20 is on the minus strand). VCF-style: chr8-56073709-G-T. GRCh37 (hg19) VCF-style: chr8-56986268-G-T.
Other names: NC_000008.10:g.56986268G>T; c.163C>A, p.Arg55= (NM_001146227.3).
Identifiers: ClinVar variation 1777001 (VCV001777001.4), dbSNP rs1316438504, ClinGen allele CA461101564.